The following is an entry in ClinVar:

NM_000059.4(BRCA2):c.9311_9312insTTAT (p.Lys3104fs)

Gene: BRCA2 (BRCA2 DNA repair associated; plus strand). Cytogenetic location: 13q13.1.
Variant type: Insertion.
Coding change: c.9311_9312insTTAT on transcript NM_000059.4 (MANE Select); coding-DNA positions 9311 to 9312, TTAT inserted.
Protein change: p.Lys3104fs; shifts the reading frame from lysine 3104.
Molecular consequence: frameshift variant.
Genome position: GRCh38 VCF-style: chr13-32394743-A-ATTAT. GRCh37 (hg19) VCF-style: chr13-32968880-A-ATTAT.
Other names: short protein forms K3104fs.
Identifiers: ClinVar variation 409551 (VCV000409551.7), dbSNP rs886040830, ClinGen allele CA16613975.
Genomic context (GRCh38, chr13:32,394,743, plus strand): 5'-TTCTAGGACTTGCCCCTTTCGTCTATTTGTCAGACGAATGTTACAATTTACTGGCAATAA[A>ATTAT]GTTTTGGATAGACCTTAATGAGGACATTATTAAGCCTCATATGTTAATTGCTGCAAGCAA-3'

ClinVar aggregate classification (germline): Pathogenic (1 of 4 stars; one submission).

Conditions:
Hereditary breast ovarian cancer syndrome. Also called: Hereditary breast and ovarian cancer; Hereditary breast and/or ovarian cancer syndrome; BRCA1- and BRCA2-Associated Hereditary Breast and Ovarian Cancer; Hereditary breast and ovarian cancer syndrome; Hereditary breast and ovarian cancer syndrome (HBOC); Breast and ovarian cancer. Identifiers: Orphanet 145, MedGen C0677776, MeSH D061325, MONDO:0003582. Disease mechanism: loss of function.

Submission:

Labcorp Genetics (formerly Invitae), Labcorp
Classification: Pathogenic for Hereditary breast ovarian cancer syndrome. Last evaluated: 2016-12-13. Review status: criteria provided, single submitter. Criteria: Invitae Variant Classification Sherloc (09022015). Collection method: clinical testing. Allele origin: germline.
Comment: For these reasons, this variant has been classified as Pathogenic. While this particular variant has not been reported in the literature, loss-of-function variants in BRCA2 are known to be pathogenic (PMID: 20104584). This sequence change inserts 4 nucleotides in exon 25 of the BRCA2 mRNA (c.9311_9312insTTAT), causing a frameshift at codon 3104. This creates a premature translational stop signal (p.Lys3104Asnfs*8) and is expected to result in an absent or disrupted protein product.

Literature cited by the submitters: PubMed 20104584.